The following is an entry in ClinVar:

NM_022458.4(LMBR1):c.*2609C>T

Gene: LMBR1 (limb development membrane protein 1; minus strand). Cytogenetic location: 7q36.3.
Variant type: single nucleotide variant.
Coding change: c.*2609C>T on transcript NM_022458.4 (MANE Select); 2609 bases downstream of the stop codon, C replaced by T.
Molecular consequence: 3 prime UTR variant. On other transcripts: non-coding transcript variant (1).
Genome position (GRCh38, 1-based): chr7:156,681,469, G>A on the plus strand (C>T on the coding strand, the complement: LMBR1 is on the minus strand). VCF-style: chr7-156681469-G-A. GRCh37 (hg19) VCF-style: chr7-156474163-G-A.
Other names: c.*2609C>T (NM_001350953.2, NM_001350954.2, NM_001350955.2 and 8 more transcripts).
Identifiers: ClinVar variation 908273 (VCV000908273.4), dbSNP rs114295738, ClinGen allele CA169435143.
Genomic context (GRCh38, chr7:156,681,469, plus strand): 5'-TTTAGAGGTCTATTTTTACAGAGAATGTACATAAAGCTACGTAAATAGTAAATCTAAGAA[G>A]TATCTTGGAAAATCAGTAAAAATTAATACAAATGTTATAATCTGAAAACTTATAATTGTA-3'

ClinVar aggregate classification (germline): Benign (1 of 4 stars; one submission).

Conditions:
Polydactyly of a triphalangeal thumb. Also called: Polydactyly, preaxial type II; POLYDACTYLY OF TRIPHALANGEAL THUMB; TRIPHALANGEAL THUMB-POLYDACTYLY SYNDROME. Identifiers: Orphanet 2439, Orphanet 2950, Orphanet 93336, MedGen C1868114, MONDO:0008270, OMIM 174500.

Allele frequency attached by ClinVar (database versions not stated): gnomAD exomes 0.00033; gnomAD 0.00353 and 0.00371; TOPMed 0.00398; 1000 Genomes Project 0.00599; 1000 Genomes Project 30x 0.00671.
gnomAD v4.1: 537 of 155,642 alleles (0.35%); highest among the groups gnomAD compares: African/African-American, 1.2%; 6 homozygotes.

Submission:

Illumina Laboratory Services, Illumina
Classification: Benign for Polydactyly of a triphalangeal thumb. Last evaluated: 2018-01-13. Review status: criteria provided, single submitter. Criteria: ICSL Variant Classification Criteria 13 December 2019. Collection method: clinical testing. Allele origin: germline.
Comment: This variant was observed in the ICSL laboratory as part of a predisposition screen in an ostensibly healthy population. It had not been previously curated by ICSL or reported in the Human Gene Mutation Database (HGMD: prior to June 1st, 2018), and was therefore a candidate for classification through an automated scoring system. Utilizing variant allele frequency, disease prevalence and penetrance estimates, and inheritance mode, an automated score was calculated to assess if this variant is too frequent to cause the disease. Based on the score and internal cut-off values, a variant classified as benign is not then subjected to further curation. The score for this variant resulted in a classification of benign for this disease.